The following is an entry in ClinVar:

ClinVar aggregate classification (germline): Uncertain significance (1 of 4 stars; one submission).

Submission:

GeneDx
Classification: Uncertain significance. Last evaluated: 2023-04-12. Review status: criteria provided, single submitter. Criteria: GeneDx Variant Classification Process June 2021. Collection method: clinical testing. Allele origin: germline. Affected: yes.
Comment: Not observed at significant frequency in large population cohorts (gnomAD); In silico analysis supports that this missense variant has a deleterious effect on protein structure/function; Has not been previously published as pathogenic or benign to our knowledge

NM_015570.4(AUTS2):c.1382C>T (p.Ala461Val)

Gene: AUTS2 (activator of transcription and developmental regulator AUTS2; plus strand). Cytogenetic location: 7q11.22.
Variant type: single nucleotide variant.
Coding change: c.1382C>T on transcript NM_015570.4 (MANE Select); coding-DNA position 1382, C replaced by T.
Protein change: p.Ala461Val; replaces alanine 461 with valine.
Molecular consequence: missense variant.
Genome position (GRCh38, 1-based): chr7:70,764,919, C>T. VCF-style: chr7-70764919-C-T. GRCh37 (hg19) VCF-style: chr7-70229905-C-T.
Other names: c.1382C>T, p.Ala461Val (NM_001127231.3); short protein forms A461V.
Identifiers: ClinVar variation 3343106 (VCV003343106.1).